The following is an entry in ClinVar:

NM_001128148.3(TFRC):c.105T>C (p.His35=)

Gene: TFRC (transferrin receptor; minus strand). Cytogenetic location: 3q29.
Variant type: single nucleotide variant.
Coding change: c.105T>C on transcript NM_001128148.3 (MANE Select); coding-DNA position 105, T replaced by C.
Protein change: p.His35=; no amino-acid change (histidine 35 retained).
Molecular consequence: synonymous variant. On other transcripts: intron variant (2).
Genome position (GRCh38, 1-based): chr3:196,075,292, A>G on the plus strand (T>C on the coding strand, the complement: TFRC is on the minus strand). VCF-style: chr3-196075292-A-G. GRCh37 (hg19) VCF-style: chr3-195802163-A-G.
Other names: c.105T>C, p.His35= (NM_003234.4); c.-413+1772T>C (NM_001313966.2); c.-5-1167T>C (NM_001313965.2).
Identifiers: ClinVar variation 3058693 (VCV003058693.2), dbSNP rs776032804, ClinGen allele CA2778395.

ClinVar aggregate classification (germline): Likely benign (0 of 4 stars; one submission).

Conditions:
TFRC-related disorder. Also called: TFRC-related condition.

Allele frequency attached by ClinVar (database versions not stated): ExAC 0.00001; gnomAD 0.00001.
gnomAD v4.1: 14 of 1,613,978 alleles (0.00087%); highest among the groups gnomAD compares: South Asian, 0.012%; no homozygotes.

Submission:

PreventionGenetics, part of Exact Sciences
Classification: Likely benign for TFRC-related condition. Last evaluated: 2019-02-19. Review status: no assertion criteria provided. Collection method: clinical testing. Allele origin: germline.
Comment: This variant is classified as likely benign based on ACMG/AMP sequence variant interpretation guidelines (Richards et al. 2015 PMID: 25741868, with internal and published modifications).